The following is an entry in ClinVar:

NM_001369.3(DNAH5):c.13175T>G (p.Phe4392Cys)

Gene: DNAH5 (dynein axonemal heavy chain 5; minus strand). Cytogenetic location: 5p15.2.
Variant type: single nucleotide variant.
Coding change: c.13175T>G on transcript NM_001369.3 (MANE Select); coding-DNA position 13175, T replaced by G.
Protein change: p.Phe4392Cys; replaces phenylalanine 4392 with cysteine.
Molecular consequence: missense variant.
Genome position (GRCh38, 1-based): chr5:13,708,286, A>C on the plus strand (T>G on the coding strand, the complement: DNAH5 is on the minus strand). VCF-style: chr5-13708286-A-C. GRCh37 (hg19) VCF-style: chr5-13708395-A-C.
Other names: short protein forms F4392C.
Identifiers: ClinVar variation 454741 (VCV000454741.40), dbSNP rs145400611, ClinGen allele CA3201427.

ClinVar aggregate classification (germline): Conflicting classifications of pathogenicity. Review status: criteria provided, conflicting classifications (1 of 4 stars). 10 submissions from 10 submitters: Uncertain significance (7); Likely benign (2). 1 of the submissions does not count toward it. Last evaluated 2026-03-20.

Conditions:
DNAH5-related disorder. Also called: DNAH5-related condition.
Primary ciliary dyskinesia. Also called: Ciliary dyskinesia. Identifiers: Orphanet 244, MedGen C0008780, MONDO:0016575, HP:0012265.
Primary ciliary dyskinesia 3. Identifiers: Orphanet 244, MedGen C1837618, MONDO:0012085, OMIM 608644.

Allele frequency attached by ClinVar (database versions not stated): gnomAD exomes 0.00041 and 0.00092; ExAC 0.00049; gnomAD 0.00058 and 0.00059; 1000 Genomes Project 0.00060; 1000 Genomes Project 30x 0.00062; TOPMed 0.00063; ESP Exome Variant Server 0.00092.
gnomAD v4.1: 1,416 of 1,614,150 alleles (0.088%); highest among the groups gnomAD compares: Non-Finnish European, 0.11%; 1 homozygote.

Submissions (10):

GeneDx
Classification: Uncertain significance. Last evaluated: 2026-03-20. Review status: criteria provided, single submitter. Criteria: GeneDx Variant Classification Process June 2021. Collection method: clinical testing. Allele origin: germline.
Comment: Identified phase unknown with a second DNAH5 variant in a patient with oligo-asthenozoospermia and teratozoospermia but no reported respiratory features who also harbored a 17q12 deletion (PMID: 34009290); Identified phase unknown with a second DNAH5 variant in a patient with clinical suspicion for PCD but normal TEM analysis (PMID: 35728977); In silico analysis supports that this missense variant has a deleterious effect on protein structure/function; This variant is associated with the following publications: (PMID: 36920900, 34009290, 35728977, 31879361)

Labcorp Genetics (formerly Invitae), Labcorp
Classification: Likely benign for Primary ciliary dyskinesia. Last evaluated: 2026-01-26. Review status: criteria provided, single submitter. Criteria: Invitae Variant Classification Sherloc (09022015). Collection method: clinical testing. Allele origin: germline.

PreventionGenetics, part of Exact Sciences
Classification: Uncertain significance for DNAH5-related condition. Last evaluated: 2025-08-11. Review status: criteria provided, single submitter. Criteria: ACMG Guidelines, 2015. Collection method: clinical testing. Allele origin: germline.
Comment: The DNAH5 c.13175T>G variant is predicted to result in the amino acid substitution p.Phe4392Cys. This variant has been reported in the compound heterozygous state with a missense variant in an individual with primary ciliary dyskinesia (Table S3, Fassad et al 2020. PubMed ID: 31879361). This variant is reported in 0.073% of alleles in individuals of European (Non-Finnish) descent in gnomAD, which may be too common to be a primary cause of disease. Although we suspect this variant may be benign, at this time, the clinical significance of this variant is uncertain due to the absence of conclusive functional and genetic evidence.

Blueprint Genetics
Classification: Uncertain significance. Last evaluated: 2024-10-28. Review status: criteria provided, single submitter. Criteria: ACMG Guidelines, 2015. Collection method: clinical testing. Allele origin: germline.

CeGaT Center for Human Genetics Tuebingen
Classification: Uncertain significance. Last evaluated: 2024-07-01. Review status: criteria provided, single submitter. Criteria: CeGaT Center For Human Genetics Tuebingen Variant Classification Criteria Version 2. Collection method: clinical testing. Allele origin: germline. Affected: yes. Observed: 1 variant allele.
Comment: DNAH5: PM2:Supporting

Ambry Genetics
Classification: Likely benign for Primary ciliary dyskinesia. Last evaluated: 2024-03-01. Review status: criteria provided, single submitter. Criteria: Ambry Variant Classification Scheme 2023. Collection method: clinical testing. Allele origin: germline.

Fulgent Genetics
Classification: Uncertain significance for Primary ciliary dyskinesia 3. Last evaluated: 2022-01-17. Review status: criteria provided, single submitter. Criteria: ACMG Guidelines, 2015. Collection method: clinical testing. Allele origin: unknown.

Illumina Laboratory Services, Illumina
Classification: Uncertain significance for Primary ciliary dyskinesia 3. Last evaluated: 2018-01-13. Review status: criteria provided, single submitter. Criteria: ICSL Variant Classification Criteria 13 December 2019. Collection method: clinical testing. Allele origin: germline.

Mayo Clinic Laboratories, Mayo Clinic
Classification: Uncertain significance for Primary ciliary dyskinesia 3. Last evaluated: 2016-12-29. Review status: criteria provided, single submitter. Criteria: ACMG Guidelines, 2015. Collection method: clinical testing. Allele origin: paternal.

Natera, Inc.
Classification: Uncertain significance for Primary ciliary dyskinesia. Last evaluated: 2019-12-16. Review status: no assertion criteria provided. Collection method: clinical testing. Allele origin: germline. Not counted in ClinVar's aggregate classification.